The following is an entry in ClinVar:

ClinVar aggregate classification (germline): Uncertain significance (1 of 4 stars; one submission).

Allele frequency attached by ClinVar (database versions not stated): gnomAD exomes below 0.00001.
gnomAD v4.1: 2 of 1,614,208 alleles (0.00012%); highest among the groups gnomAD compares: Non-Finnish European, 0.00017%; no homozygotes.

Submission:

GeneDx
Classification: Uncertain significance. Last evaluated: 2023-04-22. Review status: criteria provided, single submitter. Criteria: GeneDx Variant Classification Process June 2021. Collection method: clinical testing. Allele origin: germline. Affected: yes.
Comment: Not observed at significant frequency in large population cohorts (gnomAD); In silico analysis supports that this missense variant does not alter protein structure/function; Has not been previously published as pathogenic or benign to our knowledge

NM_001145358.2(SIN3A):c.2809A>G (p.Lys937Glu)

Gene: SIN3A (SIN3 transcription regulator family member A; minus strand). Cytogenetic location: 15q24.2.
Variant type: single nucleotide variant.
Coding change: c.2809A>G on transcript NM_001145358.2 (MANE Select); coding-DNA position 2809, A replaced by G.
Protein change: p.Lys937Glu; replaces lysine 937 with glutamic acid.
Molecular consequence: missense variant.
Genome position (GRCh38, 1-based): chr15:75,392,284, T>C on the plus strand (A>G on the coding strand, the complement: SIN3A is on the minus strand). VCF-style: chr15-75392284-T-C. GRCh37 (hg19) VCF-style: chr15-75684625-T-C.
Other names: c.2809A>G, p.Lys937Glu (NM_001145357.2, NM_015477.3); short protein forms K937E.
Identifiers: ClinVar variation 2661936 (VCV002661936.1), dbSNP rs2543074114, ClinGen allele CA393490395.
Genomic context (GRCh38, chr15:75,392,284, plus strand): 5'-AGAGGTCTCGGCACTCACTAGGTTCTTTGAGACGTAGCTGAATGGCAGGGCTGTCACTCT[T>C]GTCTCGCTTTATGCCCAGCACTTCCCGTTCCCATTCTCTCTCTCGGTTTTCTTCTTCAAT-3'
Protein context (NP_001138830.1, residues 927-947): EREVLGIKRD[Lys937Glu]SDSPAIQLRL